The following is an entry in ClinVar:

NM_015278.5(SASH1):c.3682A>G (p.Ile1228Val)

Gene: SASH1 (SAM and SH3 domain containing 1; plus strand). Cytogenetic location: 6q25.1.
Variant type: single nucleotide variant.
Coding change: c.3682A>G on transcript NM_015278.5 (MANE Select); coding-DNA position 3682, A replaced by G.
Protein change: p.Ile1228Val; replaces isoleucine 1228 with valine.
Molecular consequence: missense variant.
Genome position (GRCh38, 1-based): chr6:148,548,496, A>G. VCF-style: chr6-148548496-A-G. GRCh37 (hg19) VCF-style: chr6-148869632-A-G.
Other names: c.3547A>G, p.Ile1183Val (NM_001346505.2); c.3310A>G, p.Ile1104Val (NM_001346506.2); c.2965A>G, p.Ile989Val (NM_001346507.2); c.3454A>G, p.Ile1152Val (NM_001346508.2); c.3331A>G, p.Ile1111Val (NM_001346509.2); short protein forms I1104V, I1111V, I1152V, I1183V, I1228V, I989V.
Identifiers: ClinVar variation 3352027 (VCV003352027.1).

ClinVar aggregate classification (germline): Likely benign (0 of 4 stars; one submission).

Conditions:
SASH1-related disorder. Also called: SASH1-related condition.

gnomAD v4.1: 143 of 1,614,138 alleles (0.0089%); highest among the groups gnomAD compares: African/African-American, 0.17%; 1 homozygote.

Submission:

PreventionGenetics, part of Exact Sciences
Classification: Likely benign for SASH1-related condition. Last evaluated: 2024-04-02. Review status: no assertion criteria provided. Collection method: clinical testing. Allele origin: germline.
Comment: This variant is classified as likely benign based on ACMG/AMP sequence variant interpretation guidelines (Richards et al. 2015 PMID: 25741868, with internal and published modifications).